The following is an entry in ClinVar:

ClinVar aggregate classification (germline): Pathogenic (1 of 4 stars; one submission).

Conditions:
Christianson syndrome (MRXSCH). Also called: INTELLECTUAL DEVELOPMENTAL DISORDER, X-LINKED, SYNDROMIC, CHRISTIANSON TYPE; SLC9A6-Related Syndromic Mental Retardation; X-linked mental retardation, syndromic, Christianson type. Identifiers: Orphanet 85278, MedGen C2678194, MONDO:0010278, OMIM 300243.

Submission:

Labcorp Genetics (formerly Invitae), Labcorp
Classification: Pathogenic for Christianson syndrome. Last evaluated: 2020-12-27. Review status: criteria provided, single submitter. Criteria: Invitae Variant Classification Sherloc (09022015). Collection method: clinical testing. Allele origin: germline.
Comment: This sequence change creates a premature translational stop signal (p.Lys290Glnfs*56) in the SLC9A6 gene. It is expected to result in an absent or disrupted protein product. Loss-of-function variants in SLC9A6 are known to be pathogenic (PMID: 18342287). This variant is not present in population databases (ExAC no frequency). This variant has not been reported in the literature in individuals with SLC9A6-related conditions. For these reasons, this variant has been classified as Pathogenic.

Literature cited by the submitters: PubMed 18342287.

NM_001379110.1(SLC9A6):c.806dup (p.Lys270fs)

Gene: SLC9A6 (solute carrier family 9 member A6; plus strand). Cytogenetic location: Xq26.3.
Variant type: Duplication.
Coding change: c.806dup on transcript NM_001379110.1 (MANE Select); coding-DNA position 806, one base duplicated (T; older notation c.806dupT).
Protein change: p.Lys270fs; shifts the reading frame from lysine 270.
Molecular consequence: frameshift variant.
Genome position (GRCh38, 1-based): chrX:136,010,504, T duplicated; the last of 2 consecutive T bases (chrX:136,010,503-136,010,504); duplicating either gives the same sequence. VCF-style (leftmost placement, unchanged base first): chrX-136010502-G-GT. GRCh37 (hg19) VCF-style: chrX-135092661-G-GT.
Other names: c.962dup, p.Lys322fs (NM_001042537.2); c.806dup, p.Lys270fs (NM_001177651.2); c.710dup, p.Lys238fs (NM_001330652.2); c.866dup, p.Lys290fs (NM_006359.3); short protein forms K290fs, K238fs, K270fs, K322fs.
Identifiers: ClinVar variation 1446671 (VCV001446671.6), dbSNP rs2148169894, ClinGen allele CA2573159242.
Genomic context (GRCh38, chrX:136,010,502, plus strand): 5'-CTCAATAGTGGCATACCAGCCAGCTGGAGACAACAGTCACACCTTTGATGTCACAGCGAT[G>GT]TTCAAGTCTATTGGGATCTTCCTTGGAATCTTCAGTGGATCTTTTGCAATGGGTGCTGCT-3'